The following is an entry in ClinVar:

ClinVar aggregate classification (germline): Uncertain significance. Review status: criteria provided, multiple submitters, no conflicts (2 of 4 stars). 2 submissions from 2 submitters: Uncertain significance (2). Last evaluated 2025-11-19.

Conditions:
Emery-Dreifuss muscular dystrophy (EDMD). Also called: Scapuloperoneal syndrome, X-linked (formerly); Humeroperoneal neuromuscular disease, (formerly). Identifiers: Orphanet 261, MedGen C0410189, MONDO:0016830.

gnomAD v4.1: 8 of 1,610,512 alleles (0.0005%); highest among the groups gnomAD compares: Non-Finnish European, 0.00068%; no homozygotes.

Submissions (2):

Labcorp Genetics (formerly Invitae), Labcorp
Classification: Uncertain significance for Emery-Dreifuss muscular dystrophy. Last evaluated: 2025-11-19. Review status: criteria provided, single submitter. Criteria: Invitae Variant Classification Sherloc (09022015). Collection method: clinical testing. Allele origin: germline.
Comment: This sequence change replaces aspartic acid, which is acidic and polar, with glycine, which is neutral and non-polar, at codon 67 of the SUN1 protein (p.Asp67Gly). The frequency data for this variant in the population databases is considered unreliable, as metrics indicate poor data quality at this position in the gnomAD database. This variant has not been reported in the literature in individuals affected with SUN1-related conditions. An algorithm developed to predict the effect of missense changes on protein structure and function outputs the following: PolyPhen-2: "Benign". The glycine amino acid residue is found in multiple mammalian species, which suggests that this missense change does not adversely affect protein function. In summary, the available evidence is currently insufficient to determine the role of this variant in disease. Therefore, it has been classified as a Variant of Uncertain Significance.

Ambry Genetics
Classification: Uncertain significance. Last evaluated: 2025-11-06. Review status: criteria provided, single submitter. Criteria: Ambry Variant Classification Scheme 2023. Collection method: clinical testing. Allele origin: germline.

NM_001130965.3(SUN1):c.200A>G (p.Asp67Gly)

Gene: SUN1 (Sad1 and UNC84 domain containing 1; plus strand). Cytogenetic location: 7p22.3.
Variant type: single nucleotide variant.
Coding change: c.200A>G on transcript NM_001130965.3 (MANE Select); coding-DNA position 200, A replaced by G.
Protein change: p.Asp67Gly; replaces aspartic acid 67 with glycine.
Molecular consequence: missense variant. On other transcripts: non-coding transcript variant (3), intron variant (2), 5 prime UTR variant (2).
Genome position (GRCh38, 1-based): chr7:838,920, A>G. VCF-style: chr7-838920-A-G. GRCh37 (hg19) VCF-style: chr7-878557-A-G.
Other names: c.200A>G, p.Asp67Gly (NM_001367694.1, NM_001367696.1, NM_001367697.1 and 34 more transcripts); c.50A>G, p.Asp17Gly (NM_001367701.1, NM_001367706.1, NM_025154.6 and 24 more transcripts); c.78-3026A>G (NM_001367695.1); c.-301-3026A>G (NM_001367639.1); c.263A>G, p.Asp88Gly (NM_001171945.2); c.-258A>G (NM_001367635.1); c.419A>G, p.Asp140Gly (NM_001367651.1); c.-562A>G (NM_001367658.1); short protein forms D67G, D140G, D17G, D88G.
Identifiers: ClinVar variation 4591244 (VCV004591244.2).
Genomic context (GRCh38, chr7:838,920, plus strand): 5'-ATTCTCCACGGATGTCCCGCCGTAGTTTGCGCCTGGCCACGACAGCATGCACCCTGGGGG[A>G]TGGTGAGGCTGTGGGTGCCGACAGCGGCACCAGCAGCGCTGTCTCCCTGAAGAACCGAGC-3'
Protein context (NP_001124437.1, residues 57-77): RLATTACTLG[Asp67Gly]GEAVGADSGT